The following is an entry in ClinVar:

NM_015272.5(RPGRIP1L):c.1808G>A (p.Gly603Asp)

Gene: RPGRIP1L (RPGRIP1 like; minus strand). Cytogenetic location: 16q12.2.
Variant type: single nucleotide variant.
Coding change: c.1808G>A on transcript NM_015272.5 (MANE Select); coding-DNA position 1808, G replaced by A.
Protein change: p.Gly603Asp; replaces glycine 603 with aspartic acid.
Molecular consequence: missense variant.
Genome position (GRCh38, 1-based): chr16:53,652,879, C>T on the plus strand (G>A on the coding strand, the complement: RPGRIP1L is on the minus strand). VCF-style: chr16-53652879-C-T. GRCh37 (hg19) VCF-style: chr16-53686791-C-T.
Other names: c.1808G>A, p.Gly603Asp (NM_001127897.4, NM_001308334.3, NM_001330538.2); c.1808G>A (NM_015272.4); short protein forms G603D.
Identifiers: ClinVar variation 702137 (VCV000702137.14), dbSNP rs537925312, ClinGen allele CA8057698.

ClinVar aggregate classification (germline): Conflicting classifications of pathogenicity. Review status: criteria provided, conflicting classifications (1 of 4 stars). 3 submissions from 3 submitters: Uncertain significance (1); Benign (1). 1 of the submissions does not count toward it. Last evaluated 2026-01-27.

Conditions:
Joubert syndrome. Also called: Familial aplasia of the vermis; JOUBERT-BOLTSHAUSER SYNDROME. Identifiers: Orphanet 475, MedGen C5979921, MONDO:0018772.
RPGRIP1L-related disorder. Also called: RPGRIP1L-related disorders; RPGRIP1L-related condition. Identifiers: MedGen CN239416.
Meckel-Gruber syndrome. Also called: GRUBER SYNDROME; Dysencephalia splachnocystica; DYSENCEPHALIA SPLANCHNOCYSTICA. Identifiers: Orphanet 564, MedGen C0265215, MONDO:0018921.

Allele frequency attached by ClinVar (database versions not stated): gnomAD exomes 0.00007 and 0.00012; gnomAD 0.00001 and 0.00003; ExAC 0.00013; 1000 Genomes Project 0.00020; 1000 Genomes Project 30x 0.00031.
gnomAD v4.1: 103 of 1,612,590 alleles (0.0064%); highest among the groups gnomAD compares: South Asian, 0.11%; 2 homozygotes.

Submissions (3):

PreventionGenetics, part of Exact Sciences
Classification: Uncertain significance for RPGRIP1L-related condition. Last evaluated: 2026-01-27. Review status: criteria provided, single submitter. Criteria: ACMG Guidelines, 2015. Collection method: clinical testing. Allele origin: germline.
Comment: The RPGRIP1L c.1808G>A variant is predicted to result in the amino acid substitution p.Gly603Asp. To our knowledge, this variant has not been reported in the literature. This variant is reported in 0.10% of alleles in individuals of South Asian descent, including two homozygous individuals, in gnomAD, which may be too common to be causative. Although we suspect that this variant may be benign, at this time, the clinical significance of this variant is uncertain due to the absence of conclusive functional and genetic evidence.

Labcorp Genetics (formerly Invitae), Labcorp
Classification: Benign for Joubert syndrome; Meckel-Gruber syndrome. Last evaluated: 2024-12-12. Review status: criteria provided, single submitter. Criteria: Invitae Variant Classification Sherloc (09022015). Collection method: clinical testing. Allele origin: germline.

Natera, Inc.
Classification: Uncertain significance for Joubert syndrome. Last evaluated: 2020-01-24. Review status: no assertion criteria provided. Collection method: clinical testing. Allele origin: germline. Not counted in ClinVar's aggregate classification.